The following is an entry in ClinVar:

ClinVar aggregate classification (germline): Uncertain significance (1 of 4 stars; one submission).

Submission:

Ambry Genetics
Classification: Uncertain significance. Last evaluated: 2023-11-09. Review status: criteria provided, single submitter. Criteria: Ambry Variant Classification Scheme 2023. Collection method: clinical testing. Allele origin: germline.
Comment: The p.L590V variant (also known as c.1768C>G), located in coding exon 11 of the POLQ gene, results from a C to G substitution at nucleotide position 1768. The leucine at codon 590 is replaced by valine, an amino acid with highly similar properties. This amino acid position is conserved. In addition, this alteration is predicted to be tolerated by in silico analysis. Since supporting evidence is limited at this time, the clinical significance of this alteration remains unclear.

NM_199420.4(POLQ):c.1768C>G (p.Leu590Val)

Gene: POLQ (DNA polymerase theta; minus strand). Cytogenetic location: 3q13.33.
Variant type: single nucleotide variant.
Coding change: c.1768C>G on transcript NM_199420.4 (MANE Select); coding-DNA position 1768, C replaced by G.
Protein change: p.Leu590Val; replaces leucine 590 with valine.
Molecular consequence: missense variant.
Genome position (GRCh38, 1-based): chr3:121,510,087, G>C on the plus strand (C>G on the coding strand, the complement: POLQ is on the minus strand). VCF-style: chr3-121510087-G-C. GRCh37 (hg19) VCF-style: chr3-121228934-G-C.
Other names: short protein forms L590V.
Identifiers: ClinVar variation 3229857 (VCV003229857.1), dbSNP rs746428417, ClinGen allele CA354114512.